The following is an entry in ClinVar:

ClinVar aggregate classification (germline): Uncertain significance. Review status: criteria provided, multiple submitters, no conflicts (2 of 4 stars). 2 submissions from 2 submitters: Uncertain significance (2). Last evaluated 2026-04-01.

Conditions:
Inborn genetic diseases. Identifiers: MedGen C0950123, MeSH D030342.

Allele frequency attached by ClinVar (database versions not stated): TOPMed 0.00003; ExAC 0.00001; gnomAD 0.00001; ESP Exome Variant Server 0.00008.
gnomAD v4.1: 12 of 1,612,254 alleles (0.00074%); highest among the groups gnomAD compares: African/African-American, 0.004%; no homozygotes.

Submissions (2):

GeneDx
Classification: Uncertain significance. Last evaluated: 2026-04-01. Review status: criteria provided, single submitter. Criteria: GeneDx Variant Classification Process June 2021. Collection method: clinical testing. Allele origin: germline.
Comment: Not observed at significant frequency in large population cohorts (gnomAD); In silico analysis supports that this missense variant has a deleterious effect on protein structure/function; Has not been previously published as pathogenic or benign to our knowledge

Ambry Genetics
Classification: Uncertain significance for Inborn genetic diseases. Last evaluated: 2022-06-13. Review status: criteria provided, single submitter. Criteria: Ambry Variant Classification Scheme 2023. Collection method: clinical testing. Allele origin: germline.

NM_194248.3(OTOF):c.2281C>T (p.Arg761Trp)

Genes: OTOF (otoferlin; minus strand), LOC129933334 (ATAC-STARR-seq lymphoblastoid active region 15473; plus strand). Cytogenetic location: 2p23.3.
Variant type: single nucleotide variant.
Coding change: c.2281C>T on transcript NM_194248.3 (MANE Select); coding-DNA position 2281, C replaced by T.
Protein change: p.Arg761Trp; replaces arginine 761 with tryptophan.
Molecular consequence: missense variant.
Genome position (GRCh38, 1-based): chr2:26,477,683, G>A on the plus strand (C>T on the coding strand, the complement: OTOF is on the minus strand). VCF-style: chr2-26477683-G-A. GRCh37 (hg19) VCF-style: chr2-26700551-G-A.
Other names: c.2281C>T, p.Arg761Trp (NM_001287489.2); c.40C>T, p.Arg14Trp (NM_004802.4, NM_194323.3); c.211C>T, p.Arg71Trp (NM_194322.3); short protein forms R71W, R14W, R761W.
Identifiers: ClinVar variation 2373358 (VCV002373358.3), dbSNP rs137982529, ClinGen allele CA1563983.